The following is an entry in ClinVar:

ClinVar aggregate classification (germline): Uncertain significance. Review status: criteria provided, single submitter (1 of 4 stars). 2 submissions from 2 submitters: Uncertain significance (1). 1 of the submissions does not count toward it. Last evaluated 2025-03-29.

Allele frequency attached by ClinVar (database versions not stated): ExAC 0.00028; gnomAD 0.00043 and 0.00044; TOPMed 0.00052; 1000 Genomes Project 30x 0.00078; gnomAD exomes 0.00033; ESP Exome Variant Server 0.00054; 1000 Genomes Project 0.00080.
gnomAD v4.1: 349 of 1,614,208 alleles (0.022%); highest among the groups gnomAD compares: African/African-American, 0.12%; no homozygotes.

Submissions (2):

Labcorp Genetics (formerly Invitae), Labcorp
Classification: Uncertain significance. Last evaluated: 2025-03-29. Review status: criteria provided, single submitter. Criteria: Invitae Variant Classification Sherloc (09022015). Collection method: clinical testing. Allele origin: germline.
Comment: This sequence change replaces aspartic acid, which is acidic and polar, with tyrosine, which is neutral and polar, at codon 148 of the SIPA1L3 protein (p.Asp148Tyr). This variant is present in population databases (rs138476311, gnomAD 0.2%), and has an allele count higher than expected for a pathogenic variant. This missense change has been observed in individual(s) with congenital cataracts (PMID: 26231217). ClinVar contains an entry for this variant (Variation ID: 221267). An algorithm developed to predict the effect of missense changes on protein structure and function (PolyPhen-2) suggests that this variant is likely to be disruptive. Experimental studies have shown that this missense change affects SIPA1L3 function (PMID: 26231217). In summary, the available evidence is currently insufficient to determine the role of this variant in disease. Therefore, it has been classified as a Variant of Uncertain Significance.

OMIM
Classification: Uncertain significance for VARIANT OF UNKNOWN SIGNIFICANCE. Last evaluated: 2017-01-27. Review status: no assertion criteria provided. Collection method: literature only. Allele origin: germline. Not counted in ClinVar's aggregate classification.

Literature cited by the submitters: PubMed 26231217 (cited by Labcorp Genetics (formerly Invitae), Labcorp and OMIM).

NM_015073.3(SIPA1L3):c.442G>T (p.Asp148Tyr)

Gene: SIPA1L3 (signal induced proliferation associated 1 like 3; plus strand). Cytogenetic location: 19q13.13.
Variant type: single nucleotide variant.
Coding change: c.442G>T on transcript NM_015073.3 (MANE Select); coding-DNA position 442, G replaced by T.
Protein change: p.Asp148Tyr; replaces aspartic acid 148 with tyrosine.
Molecular consequence: missense variant.
Genome position (GRCh38, 1-based): chr19:38,082,007, G>T. VCF-style: chr19-38082007-G-T. GRCh37 (hg19) VCF-style: chr19-38572647-G-T.
Other names: short protein forms D148Y.
Identifiers: ClinVar variation 221267 (VCV000221267.5), dbSNP rs138476311, ClinGen allele CA354826.
Genomic context (GRCh38, chr19:38,082,007, plus strand): 5'-AGCACCCCGGCTTCCTCAGGGTCCAAAGCCTTCCACCGACTCTCCAGGAGAAGGTCCAAA[G>T]ACGTGGAGTTCCAGGACGGGTGGCCCCGGTCCCCCGGCAGGGCCTTCCTCCCCCTTCGGC-3'
Protein context (NP_055888.1, residues 138-158): FHRLSRRRSK[Asp148Tyr]VEFQDGWPRS